The following is an entry in ClinVar:

ClinVar aggregate classification (germline): Benign. Review status: criteria provided, multiple submitters, no conflicts (2 of 4 stars). 3 submissions from 3 submitters: Benign (2). 1 of the submissions does not count toward it. Last evaluated 2024-02-07.

Conditions:
KRT2-related disorder. Also called: KRT2-related condition.

Allele frequency attached by ClinVar (database versions not stated): 1000 Genomes Project 0.00220; gnomAD 0.00281 and 0.00265; 1000 Genomes Project 30x 0.00219; ExAC 0.00088; ESP Exome Variant Server 0.00285; TOPMed 0.00297.
gnomAD v4.1: 748 of 1,401,164 alleles (0.053%); highest among the groups gnomAD compares: African/African-American, 0.89%; 2 homozygotes.

Submissions (3):

Labcorp Genetics (formerly Invitae), Labcorp
Classification: Benign. Last evaluated: 2024-02-07. Review status: criteria provided, single submitter. Criteria: Invitae Variant Classification Sherloc (09022015). Collection method: clinical testing. Allele origin: germline.

Breakthrough Genomics
Classification: Benign. Review status: criteria provided, single submitter. Criteria: ACMG Guidelines, 2015. Collection method: not provided. Allele origin: germline. Inheritance: Autosomal dominant inheritance. Affected: yes.

PreventionGenetics, part of Exact Sciences
Classification: Benign for KRT2-related condition. Last evaluated: 2020-08-04. Review status: no assertion criteria provided. Collection method: clinical testing. Allele origin: germline. Not counted in ClinVar's aggregate classification.
Comment: This variant is classified as benign based on ACMG/AMP sequence variant interpretation guidelines (Richards et al. 2015 PMID: 25741868, with internal and published modifications).

NM_000423.3(KRT2):c.340G>A (p.Gly114Ser)

Gene: KRT2 (keratin 2; minus strand). Cytogenetic location: 12q13.13.
Variant type: single nucleotide variant.
Coding change: c.340G>A on transcript NM_000423.3 (MANE Select); coding-DNA position 340, G replaced by A.
Protein change: p.Gly114Ser; replaces glycine 114 with serine.
Molecular consequence: missense variant.
Genome position (GRCh38, 1-based): chr12:52,651,803, C>T on the plus strand (G>A on the coding strand, the complement: KRT2 is on the minus strand). VCF-style: chr12-52651803-C-T. GRCh37 (hg19) VCF-style: chr12-53045587-C-T.
Other names: short protein forms G114S.
Identifiers: ClinVar variation 715648 (VCV000715648.9), dbSNP rs76412202, ClinGen allele CA6585859.